The following is an entry in ClinVar:

ClinVar aggregate classification (germline): Conflicting classifications of pathogenicity. Review status: criteria provided, conflicting classifications (1 of 4 stars). 4 submissions from 4 submitters: Uncertain significance (3); Likely benign (1). Last evaluated 2024-03-06.

Conditions:
Cardiovascular phenotype. Identifiers: MedGen CN230736.
Cardiomyopathy (CMYO). Also called: Cardiomyopathies. Identifiers: Orphanet 167848, MedGen C0878544, MONDO:0004994, HP:0001638. Inheritance: Various modes of inheritance.
Arrhythmogenic right ventricular cardiomyopathy (ARVD). Also called: Arrhythmogenic cardiomyopathy; Cardiomyopathy, ARVC; Arrhythmogenic right ventricular dysplasia; Arrhythmogenic Right Ventricular Cardiomyopathy (ARVC). Identifiers: Orphanet 247, MedGen C0349788, MeSH D019571, MONDO:0016587. Disease mechanism: loss of function. Inheritance: Various modes of inheritance.
Arrhythmogenic right ventricular dysplasia 10. Also called: Arrhythmogenic Right Ventricular Dysplasia/Cardiomyopathy10; ARRHYTHMOGENIC RIGHT VENTRICULAR DYSPLASIA, FAMILIAL, 10; Arrhythmogenic right ventricular dysplasia/cardiomyopathy, type 10. Identifiers: MedGen C1857777, MONDO:0012434, OMIM 610193.

Allele frequency attached by ClinVar (database versions not stated): gnomAD exomes below 0.00001; TOPMed below 0.00001; gnomAD 0.00001.
gnomAD v4.1: 3 of 1,265,890 alleles (0.00024%); highest among the groups gnomAD compares: Non-Finnish European, 0.0003%; no homozygotes.

Submissions (4):

Color Diagnostics, LLC DBA Color Health
Classification: Uncertain significance for Cardiomyopathy. Last evaluated: 2024-03-06. Review status: criteria provided, single submitter. Criteria: ACMG Guidelines, 2015. Collection method: clinical testing. Allele origin: germline.
Comment: This missense variant replaces leucine with phenylalanine at codon 13 of the DSG2 protein. Computational prediction suggests that this variant may not impact protein structure and function (internally defined REVEL score threshold <= 0.5, PMID: 27666373). To our knowledge, functional studies have not been reported for this variant. This variant has not been reported in individuals affected with DSG2-related disorders in the literature. This variant has not been identified in the general population by the Genome Aggregation Database (gnomAD). The available evidence is insufficient to determine the role of this variant in disease conclusively. Therefore, this variant is classified as a Variant of Uncertain Significance.

Ambry Genetics
Classification: Likely benign for Cardiovascular phenotype. Last evaluated: 2024-02-20. Review status: criteria provided, single submitter. Criteria: Ambry Variant Classification Scheme 2023. Collection method: clinical testing. Allele origin: germline.

All of Us Research Program, National Institutes of Health
Classification: Uncertain significance for Arrhythmogenic right ventricular cardiomyopathy. Last evaluated: 2023-12-01. Review status: criteria provided, single submitter. Criteria: ACMG Guidelines, 2015. Collection method: clinical testing. Allele origin: germline. Inheritance: Autosomal dominant inheritance. Observed: 2 variant alleles, 2 heterozygotes.
Comment: Variant of Uncertain Significance due to insufficient evidence: This missense variant is located in the signal peptide sequence of the DSG2 protein. Computational prediction tools and conservation analyses suggest that this variant may not impact the protein function. Computational splicing tools suggest that this variant may not impact RNA splicing. To our knowledge, functional assays have not been performed for this variant nor has this variant been reported in individuals affected with cardiovascular disorders in the literature. This variant is rare in the general population and has been identified in 0/277264 chromosomes by the Genome Aggregation Database (gnomAD). Available evidence is insufficient to determine the pathogenicity of this variant conclusively.

This study involves interpretation of variants in research participants for the purpose of population health screening. Participant phenotype was not available at the time of variant classification. Additional details can be found in publication PMID: 35346344, PMCID: PMC8962531

Labcorp Genetics (formerly Invitae), Labcorp
Classification: Uncertain significance for Arrhythmogenic right ventricular dysplasia 10. Last evaluated: 2023-04-21. Review status: criteria provided, single submitter. Criteria: Invitae Variant Classification Sherloc (09022015). Collection method: clinical testing. Allele origin: germline.
Comment: In summary, the available evidence is currently insufficient to determine the role of this variant in disease. Therefore, it has been classified as a Variant of Uncertain Significance. Advanced modeling of protein sequence and biophysical properties (such as structural, functional, and spatial information, amino acid conservation, physicochemical variation, residue mobility, and thermodynamic stability) performed at Invitae indicates that this missense variant is not expected to disrupt DSG2 protein function. ClinVar contains an entry for this variant (Variation ID: 920722). This variant has not been reported in the literature in individuals affected with DSG2-related conditions. This variant is not present in population databases (gnomAD no frequency). This sequence change replaces leucine, which is neutral and non-polar, with phenylalanine, which is neutral and non-polar, at codon 13 of the DSG2 protein (p.Leu13Phe).

NM_001943.5(DSG2):c.37C>T (p.Leu13Phe)

Genes: DSG2 (desmoglein 2; plus strand), LOC130062340 (ATAC-STARR-seq lymphoblastoid silent region 9384; plus strand). Cytogenetic location: 18q12.1.
Variant type: single nucleotide variant.
Coding change: c.37C>T on transcript NM_001943.5 (MANE Select); coding-DNA position 37, C replaced by T.
Protein change: p.Leu13Phe; replaces leucine 13 with phenylalanine.
Molecular consequence: missense variant.
Genome position (GRCh38, 1-based): chr18:31,498,288, C>T. VCF-style: chr18-31498288-C-T. GRCh37 (hg19) VCF-style: chr18-29078251-C-T.
Other names: short protein forms L13F.
Identifiers: ClinVar variation 920722 (VCV000920722.9), dbSNP rs1276147010, ClinGen allele CA402127638.